The following is an entry in ClinVar:

NM_000492.4(CFTR):c.409C>T (p.Leu137Phe)

Gene: CFTR (CF transmembrane conductance regulator; plus strand). Cytogenetic location: 7q31.2.
Variant type: single nucleotide variant.
Coding change: c.409C>T on transcript NM_000492.4 (MANE Select); coding-DNA position 409, C replaced by T.
Protein change: p.Leu137Phe; replaces leucine 137 with phenylalanine.
Molecular consequence: missense variant.
Genome position (GRCh38, 1-based): chr7:117,531,034, C>T. VCF-style: chr7-117531034-C-T. GRCh37 (hg19) VCF-style: chr7-117171088-C-T.
Other names: short protein forms L137F.
Identifiers: ClinVar variation 4868806 (VCV004868806.1).

ClinVar aggregate classification (germline): Uncertain significance (1 of 4 stars; one submission).

Conditions:
Cystic fibrosis (CF). Also called: MUCOVISCIDOSIS. Identifiers: Orphanet 586, MedGen C0010674, MONDO:0009061, OMIM 219700. Disease mechanism: loss of function.

gnomAD v4.1: 1 of 1,613,788 alleles (0.000062%); no homozygotes.

Submission:

Ambry Genetics
Classification: Uncertain significance for Cystic fibrosis. Last evaluated: 2026-03-25. Review status: criteria provided, single submitter. Criteria: Ambry Variant Classification Scheme 2023. Collection method: clinical testing. Allele origin: germline.
Comment: The p.L137F variant (also known as c.409C>T), located in coding exon 4 of the CFTR gene, results from a C to T substitution at nucleotide position 409. The leucine at codon 137 is replaced by phenylalanine, an amino acid with highly similar properties. This amino acid position is highly conserved in available vertebrate species. In addition, this alteration is predicted to be deleterious by in silico analysis. Based on the available evidence, the clinical significance of this variant remains unclear.